The following is an entry in ClinVar:

ClinVar aggregate classification (germline): Uncertain significance (1 of 4 stars; one submission).

Submission:

Labcorp Genetics (formerly Invitae), Labcorp
Classification: Uncertain significance. Last evaluated: 2022-05-13. Review status: criteria provided, single submitter. Criteria: Invitae Variant Classification Sherloc (09022015). Collection method: clinical testing. Allele origin: germline.
Comment: In summary, the available evidence is currently insufficient to determine the role of this variant in disease. Therefore, it has been classified as a Variant of Uncertain Significance. Algorithms developed to predict the effect of missense changes on protein structure and function are either unavailable or do not agree on the potential impact of this missense change (SIFT: "Deleterious"; PolyPhen-2: "Probably Damaging"; Align-GVGD: "Class C0"). This variant has not been reported in the literature in individuals affected with MPDZ-related conditions. This variant is not present in population databases (gnomAD no frequency). This sequence change replaces glutamic acid, which is acidic and polar, with alanine, which is neutral and non-polar, at codon 2023 of the MPDZ protein (p.Glu2023Ala).

NM_001378778.1(MPDZ):c.6155A>C (p.Glu2052Ala)

Gene: MPDZ (multiple PDZ domain crumbs cell polarity complex component; minus strand). Cytogenetic location: 9p23.
Variant type: single nucleotide variant.
Coding change: c.6155A>C on transcript NM_001378778.1 (MANE Select); coding-DNA position 6155, A replaced by C.
Protein change: p.Glu2052Ala; replaces glutamic acid 2052 with alanine.
Molecular consequence: missense variant.
Genome position (GRCh38, 1-based): chr9:13,107,023, T>G on the plus strand (A>C on the coding strand, the complement: MPDZ is on the minus strand). VCF-style: chr9-13107023-T-G. GRCh37 (hg19) VCF-style: chr9-13107022-T-G.
Other names: c.6056A>C, p.Glu2019Ala (NM_001261406.2, NM_001375416.1, NM_001375417.1 and 1 more transcripts); c.5969A>C, p.Glu1990Ala (NM_001261407.2, NM_001375419.1); c.6155A>C, p.Glu2052Ala (NM_001330637.2); c.6254A>C, p.Glu2085Ala (NM_001375413.1); c.5945A>C, p.Glu1982Ala (NM_001375420.1, NM_001375421.1, NM_001375422.1 and 2 more transcripts); c.5858A>C, p.Glu1953Ala (NM_001375425.1, NM_001375426.1); c.5747A>C, p.Glu1916Ala (NM_001375427.1); c.6068A>C, p.Glu2023Ala (NM_003829.5); short protein forms E1953A, E1982A, E1990A, E2085A, E1916A, E2019A, E2023A, E2052A.
Identifiers: ClinVar variation 1994008 (VCV001994008.4), dbSNP rs2537477974, ClinGen allele CA372938249.
Genomic context (GRCh38, chr9:13,107,023, plus strand): 5'-ATTCAAGAGAGAACCATCAAAGTGACAGTGCCTTTTGTCCGTTTAAGGATGGCAACAGCT[T>G]CTTCATGGGTGACTCCTTCTAGACTCTGCCCATTGACAGCAATGATCTGATCGCCCCTTT-3'
Protein context (NP_001365707.1, residues 2042-2062): GQSLEGVTHE[Glu2052Ala]AVAILKRTKG